The following is an entry in ClinVar:

ClinVar aggregate classification (germline): Uncertain significance (1 of 4 stars; one submission).

Conditions:
Familial melanoma. Also called: Hereditary melanoma; Hereditary cutaneous melanoma. Identifiers: Orphanet 618, MedGen C1512419, MONDO:0018961.

Submission:

Labcorp Genetics (formerly Invitae), Labcorp
Classification: Uncertain significance for Familial melanoma. Last evaluated: 2023-01-20. Review status: criteria provided, single submitter. Criteria: Invitae Variant Classification Sherloc (09022015). Collection method: clinical testing. Allele origin: germline.
Comment: This sequence change replaces aspartic acid, which is acidic and polar, with valine, which is neutral and non-polar, at codon 84 of the CDK4 protein (p.Asp84Val). In summary, the available evidence is currently insufficient to determine the role of this variant in disease. Therefore, it has been classified as a Variant of Uncertain Significance. Advanced modeling of protein sequence and biophysical properties (such as structural, functional, and spatial information, amino acid conservation, physicochemical variation, residue mobility, and thermodynamic stability) performed at Invitae indicates that this missense variant is not expected to disrupt CDK4 protein function. This variant has not been reported in the literature in individuals affected with CDK4-related conditions. This variant is not present in population databases (gnomAD no frequency).

NM_000075.4(CDK4):c.251A>T (p.Asp84Val)

Gene: CDK4 (cyclin dependent kinase 4; minus strand). Cytogenetic location: 12q14.1.
Variant type: single nucleotide variant.
Coding change: c.251A>T on transcript NM_000075.4 (MANE Select); coding-DNA position 251, A replaced by T.
Protein change: p.Asp84Val; replaces aspartic acid 84 with valine.
Molecular consequence: missense variant.
Genome position (GRCh38, 1-based): chr12:57,751,310, T>A on the plus strand (A>T on the coding strand, the complement: CDK4 is on the minus strand). VCF-style: chr12-57751310-T-A. GRCh37 (hg19) VCF-style: chr12-58145093-T-A.
Other names: short protein forms D84V.
Identifiers: ClinVar variation 2830374 (VCV002830374.3), dbSNP rs2140387504, ClinGen allele CA385548202.